The following is an entry in ClinVar:

NM_000038.6(APC):c.4142C>G (p.Pro1381Arg)

Gene: APC (APC regulator of Wnt signaling pathway; plus strand). Cytogenetic location: 5q22.2.
Variant type: single nucleotide variant.
Coding change: c.4142C>G on transcript NM_000038.6 (MANE Select); coding-DNA position 4142, C replaced by G.
Protein change: p.Pro1381Arg; replaces proline 1381 with arginine.
Molecular consequence: missense variant.
Genome position (GRCh38, 1-based): chr5:112,839,736, C>G. VCF-style: chr5-112839736-C-G. GRCh37 (hg19) VCF-style: chr5-112175433-C-G.
Other names: c.4142C>G, p.Pro1381Arg (NM_001127510.3, NM_001354895.2); c.4088C>G, p.Pro1363Arg (NM_001127511.3); c.4196C>G, p.Pro1399Arg (NM_001354896.2); c.4172C>G, p.Pro1391Arg (NM_001354897.2); c.4067C>G, p.Pro1356Arg (NM_001354898.2); c.4058C>G, p.Pro1353Arg (NM_001354899.2); c.4019C>G, p.Pro1340Arg (NM_001354900.2); c.3965C>G, p.Pro1322Arg (NM_001354901.2); and 5 more; short protein forms P1098R, P1221R, P1255R, P1280R, P1290R, P1322R, P1340R, P1353R.
Identifiers: ClinVar variation 1049669 (VCV001049669.1), dbSNP rs2149907480, ClinGen allele CA16030404.

ClinVar aggregate classification (germline): Uncertain significance (0 of 4 stars; one submission).

Conditions:
Carcinoma of colon (CRC). Also called: Colonic carcinoma; Colon carcinoma. Identifiers: MedGen C0699790, MONDO:0002032.

Submission:

Department of Pathology and Laboratory Medicine, Sinai Health System
Classification: Uncertain significance for Carcinoma of colon. Review status: no assertion criteria provided. Collection method: clinical testing. Allele origin: unknown. Affected: yes. Study: The Canadian Open Genetics Repository (COGR).
Comment: The APC p.Pro1381Arg variant was not identified in the literature nor was it identified in the dbSNP, ClinVar, LOVD 3.0, the Exome Aggregation Consortium (August 8th 2016), or the Genome Aggregation Database (Feb 27, 2017). The p.Pro1381 residue is conserved across mammals and other organisms, and computational analyses (PolyPhen-2, SIFT, AlignGVGD, BLOSUM, MutationTaster) suggest that the variant may impact the protein; however, this information is not predictive enough to assume pathogenicity. The variant occurs outside of the splicing consensus sequence and in silico or computational prediction software programs (SpliceSiteFinder, MaxEntScan, NNSPLICE, GeneSplicer) do not predict a difference in splicing. In summary, based on the above information the clinical significance of this variant cannot be determined with certainty at this time. This variant is classified as a variant of uncertain significance.